The following is an entry in ClinVar:

ClinVar aggregate classification (germline): Pathogenic/Likely pathogenic. Review status: criteria provided, multiple submitters, no conflicts (2 of 4 stars). 2 submissions from 2 submitters: Pathogenic (1); Likely pathogenic (1). Last evaluated 2024-10-13.

Conditions:
Familial thoracic aortic aneurysm and aortic dissection (TAAD). Also called: Thoracic aortic aneurysms and dissections. Identifiers: Orphanet 91387, MedGen C4707243, MONDO:0019625.
Ehlers-Danlos syndrome, type 4 (EDSVASC). Also called: Ehlers-Danlos syndrome vascular type; Ehlers Danlos syndrome, ecchymotic type; Ehlers Danlos syndrome, arterial type; Ehlers Danlos syndrome, Sack-Barabas type; Ehlers-Danlos Syndrome Type IV. Identifiers: Orphanet 286, MedGen C0268338, MONDO:0017314, OMIM 130050.

Submissions (2):

Labcorp Genetics (formerly Invitae), Labcorp
Classification: Pathogenic for Ehlers-Danlos syndrome, type 4. Last evaluated: 2024-10-13. Review status: criteria provided, single submitter. Criteria: Invitae Variant Classification Sherloc (09022015). Collection method: clinical testing. Allele origin: germline.
Comment: This sequence change replaces glycine, which is neutral and non-polar, with aspartic acid, which is acidic and polar, at codon 1167 of the COL3A1 protein (p.Gly1167Asp). This variant is not present in population databases (gnomAD no frequency). This variant has not been reported in the literature in individuals affected with COL3A1-related conditions. ClinVar contains an entry for this variant (Variation ID: 459787). Invitae Evidence Modeling of protein sequence and biophysical properties (such as structural, functional, and spatial information, amino acid conservation, physicochemical variation, residue mobility, and thermodynamic stability) indicates that this missense variant is expected to disrupt COL3A1 protein function with a positive predictive value of 95%. This variant disrupts the triple helix domain of COL3A1. Glycine residues within the Gly-Xaa-Yaa repeats of the triple helix domain are required for the structure and stability of fibrillar collagens (PMID: 7695699, 8218237, 19344236). In COL3A1, variants that affect these glycine residues are significantly enriched in individuals with disease (PMID: 24922459, 25758994) compared to the general population (ExAC). For these reasons, this variant has been classified as Pathogenic.

Color Diagnostics, LLC DBA Color Health
Classification: Likely pathogenic for Familial thoracic aortic aneurysm and aortic dissection. Last evaluated: 2022-01-03. Review status: criteria provided, single submitter. Criteria: ACMG Guidelines, 2015. Collection method: clinical testing. Allele origin: germline.
Comment: This missense variant replaces glycine with aspartic acid at codon 1167 of the COL3A1 protein. This variant changes one of the conserved glycine residues within the Gly-Xaa-Yaa repeat motifs of the triple helical domain of the COL3A1 protein that are required for the structure and stability of fibrillar collagens (PMID: 7695699, 8218237, 19344236). Computational prediction suggests that this variant may have deleterious impact on protein structure and function (internally defined REVEL score threshold >= 0.7, PMID: 27666373). Although functional studies have not been reported for this variant, it is expected to have deleterious impact on protein structure and function. This variant has not been identified in the general population by the Genome Aggregation Database (gnomAD). Based on available evidence, this variant is classified as Likely Pathogenic.

Literature cited by the submitters: PubMed 7695699 (cited by Labcorp Genetics (formerly Invitae), Labcorp and Color Diagnostics, LLC DBA Color Health); PubMed 8218237 (cited by Labcorp Genetics (formerly Invitae), Labcorp and Color Diagnostics, LLC DBA Color Health); PubMed 19344236 (cited by Labcorp Genetics (formerly Invitae), Labcorp and Color Diagnostics, LLC DBA Color Health); PubMed 24922459 (cited by Labcorp Genetics (formerly Invitae), Labcorp); PubMed 25758994 (cited by Labcorp Genetics (formerly Invitae), Labcorp).

NM_000090.4(COL3A1):c.3500G>A (p.Gly1167Asp)

Gene: COL3A1 (collagen type III alpha 1 chain; plus strand). Cytogenetic location: 2q32.2.
Variant type: single nucleotide variant.
Coding change: c.3500G>A on transcript NM_000090.4 (MANE Select); coding-DNA position 3500, G replaced by A.
Protein change: p.Gly1167Asp; replaces glycine 1167 with aspartic acid.
Molecular consequence: missense variant.
Genome position (GRCh38, 1-based): chr2:189,008,117, G>A. VCF-style: chr2-189008117-G-A. GRCh37 (hg19) VCF-style: chr2-189872843-G-A.
Other names: short protein forms G1167D.
Identifiers: ClinVar variation 459787 (VCV000459787.14), dbSNP rs587779578, ClinGen allele CA349846513.